The following is an entry in ClinVar:

ClinVar aggregate classification (germline): Uncertain significance. Review status: criteria provided, multiple submitters, no conflicts (2 of 4 stars). 4 submissions from 4 submitters: Uncertain significance (4). Last evaluated 2026-07-14.

Conditions:
IFT172-related disorder. Also called: IFT172-related disorders; IFT172-related condition.
Retinitis pigmentosa 71 (RP71). Identifiers: Orphanet 791, MedGen C4225342, MONDO:0014618, OMIM 616394.
Short-rib thoracic dysplasia 10 with or without polydactyly (SRTD10). Identifiers: Orphanet 474, MedGen C3810175, MONDO:0014284, OMIM 615630.
Bardet-Biedl syndrome 20. Identifiers: MedGen C4310707, MONDO:0023670, OMIM 619471, MONDO:0014926.

Allele frequency attached by ClinVar (database versions not stated): gnomAD exomes below 0.00001 and 0.00001; ExAC 0.00002.
gnomAD v4.1: 2 of 1,614,210 alleles (0.00012%); highest among the groups gnomAD compares: Admixed American, 0.0033%; no homozygotes.

Submissions (4):

PreventionGenetics, part of Exact Sciences
Classification: Uncertain significance for IFT172-related condition. Last evaluated: 2026-07-14. Review status: criteria provided, single submitter. Criteria: ACMG Guidelines, 2015. Collection method: clinical testing. Allele origin: germline.
Comment: The IFT172 c.421A>G variant is predicted to result in the amino acid substitution p.Lys141Glu. To our knowledge, this variant has not been reported in the literature. This variant is reported in 0.0058% of alleles in individuals of Latino descent in gnomAD. At this time, the clinical significance of this variant is uncertain due to the absence of conclusive functional and genetic evidence.

Labcorp Genetics (formerly Invitae), Labcorp
Classification: Uncertain significance for Retinitis pigmentosa 71; Short-rib thoracic dysplasia 10 with or without polydactyly. Last evaluated: 2025-01-06. Review status: criteria provided, single submitter. Criteria: Invitae Variant Classification Sherloc (09022015). Collection method: clinical testing. Allele origin: germline.
Comment: This sequence change replaces lysine, which is basic and polar, with glutamic acid, which is acidic and polar, at codon 141 of the IFT172 protein (p.Lys141Glu). This variant is present in population databases (rs760582917, gnomAD 0.006%). This variant has not been reported in the literature in individuals affected with IFT172-related conditions. ClinVar contains an entry for this variant (Variation ID: 1403491). Invitae Evidence Modeling of protein sequence and biophysical properties (such as structural, functional, and spatial information, amino acid conservation, physicochemical variation, residue mobility, and thermodynamic stability) indicates that this missense variant is not expected to disrupt IFT172 protein function with a negative predictive value of 95%. In summary, the available evidence is currently insufficient to determine the role of this variant in disease. Therefore, it has been classified as a Variant of Uncertain Significance.

GeneDx
Classification: Uncertain significance. Last evaluated: 2023-03-08. Review status: criteria provided, single submitter. Criteria: GeneDx Variant Classification Process June 2021. Collection method: clinical testing. Allele origin: germline. Affected: yes.
Comment: Not observed at significant frequency in large population cohorts (gnomAD); In silico analysis supports that this missense variant has a deleterious effect on protein structure/function; Has not been previously published as pathogenic or benign to our knowledge

Fulgent Genetics
Classification: Uncertain significance for Short-rib thoracic dysplasia 10 with or without polydactyly; Retinitis pigmentosa 71; Bardet-Biedl syndrome 20. Last evaluated: 2022-05-02. Review status: criteria provided, single submitter. Criteria: ACMG Guidelines, 2015. Collection method: clinical testing. Allele origin: unknown.

NM_015662.3(IFT172):c.421A>G (p.Lys141Glu)

Gene: IFT172 (intraflagellar transport 172; minus strand). Cytogenetic location: 2p23.3.
Variant type: single nucleotide variant.
Coding change: c.421A>G on transcript NM_015662.3 (MANE Select); coding-DNA position 421, A replaced by G.
Protein change: p.Lys141Glu; replaces lysine 141 with glutamic acid.
Molecular consequence: missense variant.
Genome position (GRCh38, 1-based): chr2:27,483,641, T>C on the plus strand (A>G on the coding strand, the complement: IFT172 is on the minus strand). VCF-style: chr2-27483641-T-C. GRCh37 (hg19) VCF-style: chr2-27706508-T-C.
Other names: c.421A>G (NM_015662.2); short protein forms K141E.
Identifiers: ClinVar variation 1403491 (VCV001403491.8), dbSNP rs760582917, ClinGen allele CA1580985.
Genomic context (GRCh38, chr2:27,483,641, plus strand): 5'-TTGTTGTCAGGGACACCACGTAAGACTCTGTCCCATAGATGGTAGATGATTTATTAGTTT[T>C]GGTGTTTGCTAAACGAACCTGAAAATGGAAAAATTGATACAAGTATGGTTAGGCTATTTT-3'
Protein context (NP_056477.1, residues 131-151): AEGKVRLANT[Lys141Glu]TNKSSTIYGT